The following is an entry in ClinVar:

NM_016592.5(GNAS):c.208C>A (p.Arg70Ser)

Genes: GNAS (GNAS complex locus; plus strand), GNAS-AS1 (GNAS antisense RNA 1; minus strand). Cytogenetic location: 20q13.32.
Variant type: single nucleotide variant.
Coding change: c.208C>A on transcript NM_016592.5 (MANE Plus Clinical); coding-DNA position 208, C replaced by A.
Protein change: p.Arg70Ser; replaces arginine 70 with serine.
Molecular consequence: missense variant. On other transcripts: 5 prime UTR variant (1).
Genome position (GRCh38, 1-based): chr20:58,840,314, C>A. VCF-style: chr20-58840314-C-A. GRCh37 (hg19) VCF-style: chr20-57415369-C-A.
Other names: c.-530C>A (NM_001410912.1); short protein forms R70S.
Identifiers: ClinVar variation 4998159 (VCV004998159.1).

ClinVar aggregate classification (germline): Uncertain significance (1 of 4 stars; one submission).

Conditions:
GNAS-related disorder. Identifiers: MedGen CN380105.

Submission:

PreventionGenetics, part of Exact Sciences
Classification: Uncertain significance for GNAS-related condition. Last evaluated: 2025-05-23. Review status: criteria provided, single submitter. Criteria: ACMG Guidelines, 2015. Collection method: clinical testing. Allele origin: germline.
Comment: The GNAS c.208C>A variant is predicted to result in the amino acid substitution p.Arg70Ser. To our knowledge, this variant has not been reported in the literature or in a large population database (gnomAD), indicating this variant is rare. At this time, the clinical significance of this variant is uncertain due to the absence of conclusive functional and genetic evidence.